The following is an entry in ClinVar:

ClinVar aggregate classification (germline): Benign. Review status: criteria provided, multiple submitters, no conflicts (2 of 4 stars). 7 submissions from 7 submitters: Benign (7). Last evaluated 2026-02-01.

Conditions:
Osteogenesis imperfecta type 11. Also called: OI, TYPE XI; Osteogenesis imperfecta, type XI. Identifiers: Orphanet 666, MedGen C3151218, MONDO:0012592, OMIM 610968.

Allele frequency attached by ClinVar (database versions not stated): gnomAD exomes 0.00161 and 0.00419; ExAC 0.00518; gnomAD 0.01528 and 0.01623; TOPMed 0.01725; ESP Exome Variant Server 0.01838; 1000 Genomes Project 0.01977; 1000 Genomes Project 30x 0.02233.

Submissions (14):

Labcorp Genetics (formerly Invitae), Labcorp
Classification: Benign. Last evaluated: 2026-02-01. Review status: criteria provided, single submitter. Criteria: Invitae Variant Classification Sherloc (09022015). Collection method: clinical testing. Allele origin: germline.

ARUP Laboratories, Molecular Genetics and Genomics, ARUP Laboratories
Classification: Benign. Last evaluated: 2023-10-14. Review status: criteria provided, single submitter. Criteria: ARUP Molecular Germline Variant Investigation Process 2024. Collection method: clinical testing. Allele origin: germline.

Mayo Clinic Laboratories, Mayo Clinic
Classification: Benign. Last evaluated: 2023-02-06. Review status: criteria provided, single submitter. Criteria: ACMG Guidelines, 2015. Collection method: clinical testing. Allele origin: germline. Observed: 2 variant alleles.

GeneDx
Classification: Benign. Last evaluated: 2018-07-07. Review status: criteria provided, single submitter. Criteria: GeneDx Variant Classification Process June 2021. Collection method: clinical testing. Allele origin: germline. Affected: yes.

Illumina Laboratory Services, Illumina
Classification: Benign for Osteogenesis imperfecta type 11. Last evaluated: 2018-01-13. Review status: criteria provided, single submitter. Criteria: ICSL Variant Classification Criteria 13 December 2019. Collection method: clinical testing. Allele origin: germline.
Comment: This variant was observed in the ICSL laboratory as part of a predisposition screen in an ostensibly healthy population. It had not been previously curated by ICSL or reported in the Human Gene Mutation Database (HGMD: prior to June 1st, 2018), and was therefore a candidate for classification through an automated scoring system. Utilizing variant allele frequency, disease prevalence and penetrance estimates, and inheritance mode, an automated score was calculated to assess if this variant is too frequent to cause the disease. Based on the score and internal cut-off values, a variant classified as benign is not then subjected to further curation. The score for this variant resulted in a classification of benign for this disease.

Breakthrough Genomics
Classification: Benign. Review status: criteria provided, single submitter. Criteria: ACMG Guidelines, 2015. Collection method: not provided. Allele origin: germline. Inheritance: Autosomal recessive inheritance. Affected: yes.

Medical Molecular Genetics Department, National Research Center
Classification: Benign for Osteogenesis imperfecta, type XI. Review status: criteria provided, single submitter. Criteria: ACMG Guidelines, 2015. Collection method: clinical testing. Allele origin: unknown. Inheritance: Autosomal recessive inheritance. Observed: 1 variant allele.

Dr. Peter K. Rogan Lab, Western University
No classification provided (evidence only). Condition: Clear cell carcinoma of kidney. Review status: no classification provided. Collection method: in vitro. Allele origin: not applicable. Functional consequence: retained intron. Not counted in ClinVar's aggregate classification.

Dr. Peter K. Rogan Lab, Western University
No classification provided (evidence only). Condition: Lung cancer. Review status: no classification provided. Collection method: in vitro. Allele origin: not applicable. Functional consequence: retained intron. Not counted in ClinVar's aggregate classification.

Dr. Peter K. Rogan Lab, Western University
No classification provided (evidence only). Condition: Uterine corpus endometrial carcinoma. Review status: no classification provided. Collection method: in vitro. Allele origin: not applicable. Functional consequence: retained intron. Not counted in ClinVar's aggregate classification.

Dr. Peter K. Rogan Lab, Western University
No classification provided (evidence only). Condition: Cervical cancer. Review status: no classification provided. Collection method: in vitro. Allele origin: not applicable. Functional consequence: retained intron. Not counted in ClinVar's aggregate classification.

Dr. Peter K. Rogan Lab, Western University
No classification provided (evidence only). Condition: Cervical cancer. Review status: no classification provided. Collection method: in vitro. Allele origin: not applicable. Functional consequence: retained intron. Not counted in ClinVar's aggregate classification.

Dr. Peter K. Rogan Lab, Western University
No classification provided (evidence only). Condition: Sarcoma. Review status: no classification provided. Collection method: in vitro. Allele origin: not applicable. Functional consequence: retained intron. Not counted in ClinVar's aggregate classification.

Dr. Peter K. Rogan Lab, Western University
No classification provided (evidence only). Condition: Thymoma. Review status: no classification provided. Collection method: in vitro. Allele origin: not applicable. Functional consequence: retained intron. Not counted in ClinVar's aggregate classification.

NM_021939.4(FKBP10):c.732A>G (p.Thr244=)

Gene: FKBP10 (FKBP prolyl isomerase 10; plus strand). Cytogenetic location: 17q21.2.
Variant type: single nucleotide variant.
Coding change: c.732A>G on transcript NM_021939.4 (MANE Select); coding-DNA position 732, A replaced by G.
Protein change: p.Thr244=; no amino-acid change (threonine 244 retained).
Molecular consequence: synonymous variant.
Genome position (GRCh38, 1-based): chr17:41,819,214, A>G. VCF-style: chr17-41819214-A-G. GRCh37 (hg19) VCF-style: chr17-39975466-A-G.
Other names: p.Thr244=.
Identifiers: ClinVar variation 323186 (VCV000323186.30), dbSNP rs8078775, ClinGen allele CA8566348.